The following is an entry in ClinVar:

ClinVar aggregate classification (germline): Uncertain significance (1 of 4 stars; one submission).

Conditions:
Glanzmann thrombasthenia. Also called: BLEEDING DISORDER, PLATELET-TYPE, 2; THROMBASTHENIA OF GLANZMANN AND NAEGELI; Thrombasthenia; PLATELET GLYCOPROTEIN IIb-IIIa DEFICIENCY; Glanzmann's thrombasthenia. Identifiers: Orphanet 849, MedGen C0040015, MONDO:0100326.

Allele frequency attached by ClinVar (database versions not stated): ExAC 0.00001; gnomAD 0.00001; TOPMed 0.00002.
gnomAD v4.1: 58 of 1,613,942 alleles (0.0036%); highest among the groups gnomAD compares: Non-Finnish European, 0.0047%; no homozygotes.

Submission:

Labcorp Genetics (formerly Invitae), Labcorp
Classification: Uncertain significance for Glanzmann thrombasthenia. Last evaluated: 2024-02-16. Review status: criteria provided, single submitter. Criteria: Invitae Variant Classification Sherloc (09022015). Collection method: clinical testing. Allele origin: germline.
Comment: This sequence change replaces valine, which is neutral and non-polar, with methionine, which is neutral and non-polar, at codon 213 of the ITGA2B protein (p.Val213Met). This variant is not present in population databases (gnomAD no frequency). This variant has not been reported in the literature in individuals affected with ITGA2B-related conditions. Advanced modeling of protein sequence and biophysical properties (such as structural, functional, and spatial information, amino acid conservation, physicochemical variation, residue mobility, and thermodynamic stability) performed at Invitae indicates that this missense variant is not expected to disrupt ITGA2B protein function with a negative predictive value of 80%. In summary, the available evidence is currently insufficient to determine the role of this variant in disease. Therefore, it has been classified as a Variant of Uncertain Significance.

NM_000419.5(ITGA2B):c.637G>A (p.Val213Met)

Gene: ITGA2B (integrin subunit alpha 2b; minus strand). Cytogenetic location: 17q21.31.
Variant type: single nucleotide variant.
Coding change: c.637G>A on transcript NM_000419.5 (MANE Select); coding-DNA position 637, G replaced by A.
Protein change: p.Val213Met; replaces valine 213 with methionine.
Molecular consequence: missense variant.
Genome position (GRCh38, 1-based): chr17:44,385,197, C>T on the plus strand (G>A on the coding strand, the complement: ITGA2B is on the minus strand). VCF-style: chr17-44385197-C-T. GRCh37 (hg19) VCF-style: chr17-42462565-C-T.
Other names: short protein forms V213M.
Identifiers: ClinVar variation 2917372 (VCV002917372.3), dbSNP rs779906682, ClinGen allele CA8603397.